The following is an entry in ClinVar:

NM_000218.3(KCNQ1):c.513del (p.Glu170_Tyr171insTer)

Gene: KCNQ1 (potassium voltage-gated channel subfamily Q member 1; plus strand). Cytogenetic location: 11p15.5.
Variant type: Deletion.
Coding change: c.513del on transcript NM_000218.3 (MANE Select); coding-DNA position 513, one base deleted (C; older notation c.513delC).
Protein change: p.Glu170_Tyr171insTer.
Molecular consequence: nonsense. On other transcripts: frameshift variant (3).
Genome position (GRCh38, 1-based): chr11:2,570,663, C deleted. VCF-style (leftmost placement, unchanged base first): chr11-2570662-AC-A. GRCh37 (hg19) VCF-style: chr11-2591892-AC-A.
Other names: c.513delC, p.Tyr171Terfs (NM_001406836.1); c.243delC, p.Tyr81Terfs (NM_001406837.1); c.132delC, p.Tyr44Terfs (NM_181798.2).
Identifiers: ClinVar variation 817016 (VCV000817016.3), dbSNP rs1589956565, ClinGen allele CA915947933.

ClinVar aggregate classification (germline): Pathogenic (1 of 4 stars; one submission).

Submission:

GeneDx
Classification: Pathogenic. Last evaluated: 2018-12-18. Review status: criteria provided, single submitter. Criteria: GeneDx Variant Classification (06012015). Collection method: clinical testing. Allele origin: germline. Affected: yes.
Comment: The c.513delC pathogenic variant in the KCNQ1 gene has not been reported as a pathogenic or benign to our knowledge. This variant results in a premature stop codon at position tyrosine 171, denoted p.Y171X. The c.513delC variant is predicted to cause loss of normal protein function either by protein truncation or nonsense-mediated mRNA decay. Other loss of function variants in the KCNQ1 gene, including nucleotide substitutions at the same position that also result in Y171X (c.513 C>G, c.513 C>A), have been reported in Human Gene Mutation Database in association with KCNQ1-related disorders (Stenson et al., 2014). Furthermore, the c.513delC variant is not observed in large population cohorts (Lek et al., 2016). In summary, c.513delC in the KCNQ1 gene is interpreted as a pathogenic variant.